The following is an entry in ClinVar:

NM_003620.4(PPM1D):c.472+18T>C

Gene: PPM1D (protein phosphatase, Mg2+/Mn2+ dependent 1D; plus strand). Cytogenetic location: 17q23.2.
Variant type: single nucleotide variant.
Coding change: c.472+18T>C on transcript NM_003620.4 (MANE Select); 18 bases into the intron after coding-DNA position 472, T replaced by C.
Molecular consequence: intron variant.
Genome position (GRCh38, 1-based): chr17:60,600,904, T>C. VCF-style: chr17-60600904-T-C. GRCh37 (hg19) VCF-style: chr17-58678265-T-C.
Identifiers: ClinVar variation 2506295 (VCV002506295.1), dbSNP rs2544421462, ClinGen allele CA2580613179.
Genomic context (GRCh38, chr17:60,600,904, plus strand): 5'-AAAGGCTTTCTCGCTTGTCACCTTGCCATGTGGAAGAAACTGGGTAAGTTCCCTGGCTTG[T>C]TTGGCGCCCGCCCCTTTTTCAGGCAGTTCAGGGCTTTTATGGCACCAGCCCCGCGTGGGC-3'

ClinVar aggregate classification (germline): Uncertain significance (1 of 4 stars; one submission).

Submission:

Women's Health and Genetics/Laboratory Corporation of America, LabCorp
Classification: Uncertain significance. Last evaluated: 2023-05-24. Review status: criteria provided, single submitter. Criteria: LabCorp Variant Classification Summary - May 2015. Collection method: clinical testing. Allele origin: germline.
Comment: Variant summary: PPM1D c.472+18T>C alters a non-conserved nucleotide located close to a canonical splice site and therefore could affect mRNA splicing, leading to a significantly altered protein sequence. 4/4 computational tools predict no significant impact on normal splicing. However, these predictions have yet to be confirmed by functional studies. The variant was absent in 244824 control chromosomes (gnomAD). The available data on variant occurrences in the general population are insufficient to allow any conclusion about variant significance. To our knowledge, no occurrence of c.472+18T>C in individuals affected with Intellectual Developmental Disorder With Gastrointestinal Difficulties And High Pain Threshold (Jansen De Vries Syndrome) and no experimental evidence demonstrating its impact on protein function have been reported. No clinical diagnostic laboratories have submitted clinical-significance assessments for this variant to ClinVar after 2014. Based on the evidence outlined above, the variant was classified as uncertain significance.